The following is an entry in ClinVar:

ClinVar aggregate classification (germline): Uncertain significance. Review status: criteria provided, multiple submitters, no conflicts (2 of 4 stars). 4 submissions from 4 submitters: Uncertain significance (4). Last evaluated 2026-08-06.

Conditions:
Hereditary cancer-predisposing syndrome. Also called: Tumor predisposition; Neoplastic Syndromes, Hereditary; Hereditary Cancer Syndrome; Hereditary neoplastic syndrome. Identifiers: Orphanet 140162, MedGen C0027672, MeSH D009386, MONDO:0015356.
Colorectal cancer, susceptibility to, 12 (CRCS12). Also called: COLORECTAL CANCER, SUSCEPTIBILITY TO, ON CHROMOSOME 12q24. Identifiers: Orphanet 220460, MedGen C3554460, MONDO:0014038, OMIM 615083.
Familial colorectal cancer. Identifiers: MedGen CN280943, MONDO:0023113. Disease mechanism: loss of function.

Submissions (4):

OLLIN Analises Genomicas, OLLIN
Classification: Uncertain significance for Colorectal cancer, susceptibility to, 12. Last evaluated: 2026-08-06. Review status: criteria provided, single submitter. Criteria: ACMG Guidelines 2015 PMID 25741868. Collection method: clinical testing. Allele origin: germline. Inheritance: Autosomal recessive inheritance.
Comment: This variant is absent from gnomAD and has not been identified in the literature. However, it has been reported in ClinVar (accession VCV000484444.17). According to the currently available evidence, this variant has been classified as uncertain significance (PM2_P, BP4).

Ambry Genetics
Classification: Uncertain significance for Hereditary cancer-predisposing syndrome. Last evaluated: 2026-01-07. Review status: criteria provided, single submitter. Criteria: Ambry Variant Classification Scheme 2023. Collection method: clinical testing. Allele origin: germline.
Comment: The c.6747+5G>A intronic variant results from a G to A substitution 5 nucleotides after coding exon 48 in the POLE gene. This nucleotide position is well conserved in available vertebrate species. In silico splice site analysis predicts that this alteration will not have any significant effect on splicing; however, direct evidence is insufficient at this time (Ambry internal data). Based on the available evidence, the clinical significance of this variant remains unclear.

Labcorp Genetics (formerly Invitae), Labcorp
Classification: Uncertain significance. Last evaluated: 2025-09-10. Review status: criteria provided, single submitter. Criteria: Invitae Variant Classification Sherloc (09022015). Collection method: clinical testing. Allele origin: germline.
Comment: This sequence change falls in intron 48 of the POLE gene. It does not directly change the encoded amino acid sequence of the POLE protein. RNA analysis indicates that this variant induces altered splicing and likely results in a shortened protein product. This variant is not present in population databases (gnomAD no frequency). This variant has not been reported in the literature in individuals affected with POLE-related conditions. ClinVar contains an entry for this variant (Variation ID: 484444). Variants that disrupt the consensus splice site are a relatively common cause of aberrant splicing (PMID: 17576681, 9536098). Studies have shown that this variant results in skipping of exon 48, but is expected to preserve the integrity of the reading-frame (internal data). In summary, the available evidence is currently insufficient to determine the role of this variant in disease. Therefore, it has been classified as a Variant of Uncertain Significance.

Mendelics
Classification: Uncertain significance for Familial colorectal cancer. Last evaluated: 2018-07-02. Review status: criteria provided, single submitter. Criteria: Mendelics Assertion Criteria 2017. Collection method: clinical testing. Allele origin: unknown.

Literature cited by the submitters: PubMed 17576681 (cited by Labcorp Genetics (formerly Invitae), Labcorp); PubMed 9536098 (cited by Labcorp Genetics (formerly Invitae), Labcorp).

NM_006231.4(POLE):c.6747+5G>A

Gene: POLE (DNA polymerase epsilon, catalytic subunit; minus strand). Cytogenetic location: 12q24.33.
Variant type: single nucleotide variant.
Coding change: c.6747+5G>A on transcript NM_006231.4 (MANE Select); 5 bases into the intron after coding-DNA position 6747, G replaced by A.
Molecular consequence: intron variant.
Genome position (GRCh38, 1-based): chr12:132,624,900, C>T on the plus strand (G>A on the coding strand, the complement: POLE is on the minus strand). VCF-style: chr12-132624900-C-T. GRCh37 (hg19) VCF-style: chr12-133201486-C-T.
Identifiers: ClinVar variation 484444 (VCV000484444.18), dbSNP rs1555300791, ClinGen allele CA658658202.